The following is an entry in ClinVar:

NM_004415.4(DSP):c.8172G>T (p.Gln2724His)

Gene: DSP (desmoplakin; plus strand). Cytogenetic location: 6p24.3.
Variant type: single nucleotide variant.
Coding change: c.8172G>T on transcript NM_004415.4 (MANE Select); coding-DNA position 8172, G replaced by T.
Protein change: p.Gln2724His; replaces glutamine 2724 with histidine.
Molecular consequence: missense variant.
Genome position (GRCh38, 1-based): chr6:7,585,434, G>T. VCF-style: chr6-7585434-G-T. GRCh37 (hg19) VCF-style: chr6-7585667-G-T.
Other names: c.8172G>T (NM_004415.3); c.6375G>T, p.Gln2125His (NM_001008844.3); c.6843G>T, p.Gln2281His (NM_001319034.2); short protein forms Q2125H, Q2281H, Q2724H.
Identifiers: ClinVar variation 1018875 (VCV001018875.19), dbSNP rs372569211, ClinGen allele CA051666.

ClinVar aggregate classification (germline): Conflicting classifications of pathogenicity. Review status: criteria provided, conflicting classifications (1 of 4 stars). 7 submissions from 7 submitters: Uncertain significance (5); Benign (1); Likely benign (1). Last evaluated 2026-08-04.

Conditions:
Arrhythmogenic cardiomyopathy with wooly hair and keratoderma. Also called: Arrhythmogenic cardiomyopathy with woolly hair and keratoderma; Carvajal syndrome; Dilated cardiomyopathy with woolly hair and keratoderma; PALMOPLANTAR KERATODERMA WITH LEFT VENTRICULAR CARDIOMYOPATHY AND WOOLLY HAIR. Identifiers: Orphanet 65282, MedGen C1854063, MONDO:0011581, OMIM 605676.
Lethal acantholytic epidermolysis bullosa (EBLA). Identifiers: Orphanet 158687, MedGen C1864826, MONDO:0012323, OMIM 609638.
Woolly hair-skin fragility syndrome (WHSF). Identifiers: Orphanet 293165, MedGen C1843292, MONDO:0957307, OMIM 620415.
Arrhythmogenic right ventricular dysplasia 8 (ARVD8). Also called: Arrhythmogenic Right Ventricular Dysplasia/Cardiomyopathy 8; ARRHYTHMOGENIC RIGHT VENTRICULAR DYSPLASIA, FAMILIAL, 8; ARRHYTHMOGENIC RIGHT VENTRICULAR CARDIOMYOPATHY 8. Identifiers: MedGen C1843896, MONDO:0011831, OMIM 607450.
Cardiomyopathy, dilated, with wooly hair, keratoderma, and tooth agenesis. Also called: Erythrokeratodermia-cardiomyopathy syndrome; Cardiomyopathy, dilated, with woolly hair, keratoderma, and tooth agenesis. Identifiers: Orphanet 476096, Orphanet 65282, MedGen C4014393, MONDO:0014355, OMIM 615821.
Keratosis palmoplantaris striata 2. Also called: KERATODERMA, PALMOPLANTAR, STRIATE FORM II; STRIATE PALMOPLANTAR KERATODERMA II; Keratosis palmoplantaris striata II. Identifiers: MedGen C1852127, MONDO:0013034, OMIM 612908.
DSP-related disorder. Also called: DSP-related disorders; DSP-related condition.
Cardiomyopathy (CMYO). Also called: Cardiomyopathies. Identifiers: Orphanet 167848, MedGen C0878544, MONDO:0004994, HP:0001638. Inheritance: Various modes of inheritance.
Cardiovascular phenotype. Identifiers: MedGen CN230736.

Allele frequency attached by ClinVar (database versions not stated): gnomAD exomes 0.00001 and 0.00002; ExAC 0.00003; 1000 Genomes Project 30x 0.00016; 1000 Genomes Project 0.00020; gnomAD 0.00007 and 0.00008; ESP Exome Variant Server 0.00008; TOPMed 0.00008.
gnomAD v4.1: 20 of 1,614,176 alleles (0.0012%); highest among the groups gnomAD compares: African/African-American, 0.019%; no homozygotes.

Submissions (7):

PreventionGenetics, part of Exact Sciences
Classification: Uncertain significance for DSP-related condition. Last evaluated: 2026-08-04. Review status: criteria provided, single submitter. Criteria: ACMG Guidelines, 2015. Collection method: clinical testing. Allele origin: germline.
Comment: The DSP c.8172G>T variant is predicted to result in the amino acid substitution p.Gln2724His. To our knowledge, this variant has not been reported in individuals with DSP-associated phenotypes in the literature. This variant is reported in 0.028% of alleles in individuals of African descent in gnomAD. At this time, the clinical significance of this variant is uncertain due to the absence of conclusive functional and genetic evidence.

Ambry Genetics
Classification: Uncertain significance for Cardiovascular phenotype. Last evaluated: 2026-03-10. Review status: criteria provided, single submitter. Criteria: Ambry Variant Classification Scheme 2023. Collection method: clinical testing. Allele origin: germline.

Labcorp Genetics (formerly Invitae), Labcorp
Classification: Benign for Arrhythmogenic cardiomyopathy with wooly hair and keratoderma; Arrhythmogenic right ventricular dysplasia 8. Last evaluated: 2025-11-13. Review status: criteria provided, single submitter. Criteria: Invitae Variant Classification Sherloc (09022015). Collection method: clinical testing. Allele origin: germline.

Women's Health and Genetics/Laboratory Corporation of America, LabCorp
Classification: Likely benign. Last evaluated: 2025-05-19. Review status: criteria provided, single submitter. Criteria: LabCorp Variant Classification Summary - May 2015. Collection method: clinical testing. Allele origin: germline.
Comment: Variant summary: DSP c.8172G>T (p.Gln2724His) results in a non-conservative amino acid change in the encoded protein sequence. Algorithms developed to predict the effect of missense changes on protein structure and function are either unavailable or do not agree on the potential impact of this missense change. The variant allele was found at a frequency of 1.3e-05 in 1615030 control chromosomes. The observed variant frequency is approximately 1.3 fold of the estimated maximal expected allele frequency for a pathogenic variant in DSP causing Arrhythmia phenotype (1e-05). To our knowledge, no occurrence of c.8172G>T in individuals affected with Arrhythmia and no experimental evidence demonstrating its impact on protein function have been reported. ClinVar contains an entry for this variant (Variation ID: 1018875). Based on the evidence outlined above, the variant was classified as likely benign.

Color Diagnostics, LLC DBA Color Health
Classification: Uncertain significance for Cardiomyopathy. Last evaluated: 2023-12-13. Review status: criteria provided, single submitter. Criteria: ACMG Guidelines, 2015. Collection method: clinical testing. Allele origin: germline.
Comment: This missense variant replaces glutamine with histidine at codon 2724 of the DSP protein. Computational prediction suggests that this variant may not impact protein structure and function. To our knowledge, functional studies have not been reported for this variant. This variant has been reported in one healthy control individual (PMID: 21636032). This variant has been identified in 11/282804 chromosomes in the general population by the Genome Aggregation Database (gnomAD). The available evidence is insufficient to determine the role of this variant in disease conclusively. Therefore, this variant is classified as a Variant of Uncertain Significance.

Fulgent Genetics
Classification: Uncertain significance for Arrhythmogenic cardiomyopathy with wooly hair and keratoderma; Arrhythmogenic right ventricular dysplasia 8; Lethal acantholytic epidermolysis bullosa; Keratosis palmoplantaris striata 2; Cardiomyopathy, dilated, with wooly hair, keratoderma, and tooth agenesis. Last evaluated: 2021-11-22. Review status: criteria provided, single submitter. Criteria: ACMG Guidelines, 2015. Collection method: clinical testing. Allele origin: unknown.

GeneDx
Classification: Uncertain significance. Last evaluated: 2021-07-29. Review status: criteria provided, single submitter. Criteria: GeneDx Variant Classification Process June 2021. Collection method: clinical testing. Allele origin: germline. Affected: yes.
Comment: Has not been previously published as pathogenic or benign to our knowledge; Reported in ClinVar as a variant of uncertain significance (ClinVar Variant ID# 1018875; Landrum et al., 2016); In silico analysis supports that this missense variant has a deleterious effect on protein structure/function

Literature cited by the submitters: PubMed 21636032 (cited by Women's Health and Genetics/Laboratory Corporation of America, LabCorp and Color Diagnostics, LLC DBA Color Health).